The following is an entry in ClinVar:

ClinVar aggregate classification (germline): Conflicting classifications of pathogenicity. Review status: criteria provided, conflicting classifications (1 of 4 stars). 11 submissions from 7 submitters: Uncertain significance (3); Benign (5); Likely benign (2). 1 of the submissions does not count toward it. Last evaluated 2026-02-03.

Conditions:
TTN-related disorder. Also called: TTN-related disorders; TTN-related condition; TTN-related disease.
Cardiovascular phenotype. Identifiers: MedGen CN230736.
Autosomal recessive limb-girdle muscular dystrophy type 2J (LGMDR10). Also called: Limb-girdle muscular dystrophy, type 2J; MUSCULAR DYSTROPHY, LIMB-GIRDLE, AUTOSOMAL RECESSIVE 10. Identifiers: Orphanet 140922, MedGen C1837342, MONDO:0012127, OMIM 608807.
Dilated cardiomyopathy 1G (CMD1G). Identifiers: Orphanet 154, MedGen C1858763, MONDO:0011400, OMIM 604145.
Cardiomyopathy (CMYO). Also called: Cardiomyopathies. Identifiers: Orphanet 167848, MedGen C0878544, MONDO:0004994, HP:0001638. Inheritance: Various modes of inheritance.
Tibial muscular dystrophy (TMD). Also called: Tibial muscular dystrophy, tardive; UDD MYOPATHY; Udd Distal Myopathy – Tibial Muscular Dystrophy. Identifiers: Orphanet 609, MedGen C1838244, MONDO:0010870, OMIM 600334.
Myopathy, myofibrillar, 9, with early respiratory failure (MFM9). Also called: MYOPATHY, PROXIMAL, WITH EARLY RESPIRATORY MUSCLE INVOLVEMENT; Hereditary myopathy with early respiratory failure; EDSTROM MYOPATHY; Myopathy, distal, with early respiratory failure, autosomal dominant. Identifiers: Orphanet 178464, Orphanet 34521, MedGen C1863599, MONDO:0011362, OMIM 603689.
Early-onset myopathy with fatal cardiomyopathy (CMYO5). Also called: Salih Myopathy; CONGENITAL MYOPATHY 5 WITH CARDIOMYOPATHY. Identifiers: Orphanet 289377, MedGen C2673677, MONDO:0012714, OMIM 611705. Disease mechanism: loss of function.

Allele frequency attached by ClinVar (database versions not stated): gnomAD exomes 0.00012 and 0.00037; gnomAD 0.00014 and 0.00021; TOPMed 0.00025; ExAC 0.00041; 1000 Genomes Project 0.00060; 1000 Genomes Project 30x 0.00062.
gnomAD v4.1: 217 of 1,613,794 alleles (0.013%); highest among the groups gnomAD compares: East Asian, 0.4%; no homozygotes.

Submissions (11):

Labcorp Genetics (formerly Invitae), Labcorp
Classification: Benign for Dilated cardiomyopathy 1G; Autosomal recessive limb-girdle muscular dystrophy type 2J. Last evaluated: 2026-02-03. Review status: criteria provided, single submitter. Criteria: Invitae Variant Classification Sherloc (09022015). Collection method: clinical testing. Allele origin: germline.

Molecular Diagnostic Laboratory for Inherited Cardiovascular Disease, Montreal Heart Institute
Classification: Benign. Last evaluated: 2025-04-09. Review status: criteria provided, single submitter. Criteria: ACMG Guidelines, 2015. Collection method: clinical testing. Allele origin: germline. Affected: no.

Blueprint Genetics
Classification: Likely benign. Last evaluated: 2024-06-06. Review status: criteria provided, single submitter. Criteria: ACMG Guidelines, 2015. Collection method: clinical testing. Allele origin: germline.

Ambry Genetics
Classification: Benign for Cardiovascular phenotype. Last evaluated: 2021-06-11. Review status: criteria provided, single submitter. Criteria: Ambry Variant Classification Scheme 2023. Collection method: clinical testing. Allele origin: germline.

Illumina Laboratory Services, Illumina
Classification: Benign for Myopathy, myofibrillar, 9, with early respiratory failure. Last evaluated: 2018-01-12. Review status: criteria provided, single submitter. Criteria: ICSL Variant Classification Criteria 13 December 2019. Collection method: clinical testing. Allele origin: germline.
Comment: This variant was observed in the ICSL laboratory as part of a predisposition screen in an ostensibly healthy population. It had not been previously curated by ICSL or reported in the Human Gene Mutation Database (HGMD: prior to June 1st, 2018), and was therefore a candidate for classification through an automated scoring system. Utilizing variant allele frequency, disease prevalence and penetrance estimates, and inheritance mode, an automated score was calculated to assess if this variant is too frequent to cause the disease. Based on the score and internal cut-off values, a variant classified as benign is not then subjected to further curation. The score for this variant resulted in a classification of benign for this disease.

Illumina Laboratory Services, Illumina
Classification: Uncertain significance for Autosomal recessive limb-girdle muscular dystrophy type 2J. Last evaluated: 2018-01-12. Review status: criteria provided, single submitter. Criteria: ICSL Variant Classification Criteria 13 December 2019. Collection method: clinical testing. Allele origin: germline.

Illumina Laboratory Services, Illumina
Classification: Benign for Tibial muscular dystrophy. Last evaluated: 2018-01-12. Review status: criteria provided, single submitter. Criteria: ICSL Variant Classification Criteria 13 December 2019. Collection method: clinical testing. Allele origin: germline.
Comment: the same text as in the submission from Illumina Laboratory Services, Illumina above.

Illumina Laboratory Services, Illumina
Classification: Uncertain significance for Dilated cardiomyopathy 1G. Last evaluated: 2018-01-12. Review status: criteria provided, single submitter. Criteria: ICSL Variant Classification Criteria 13 December 2019. Collection method: clinical testing. Allele origin: germline.

Illumina Laboratory Services, Illumina
Classification: Uncertain significance for Early-onset myopathy with fatal cardiomyopathy. Last evaluated: 2018-01-12. Review status: criteria provided, single submitter. Criteria: ICSL Variant Classification Criteria 13 December 2019. Collection method: clinical testing. Allele origin: germline.

CHEO Genetics Diagnostic Laboratory, Children's Hospital of Eastern Ontario
Classification: Likely benign for Cardiomyopathy. Last evaluated: 2016-12-09. Review status: criteria provided, single submitter. Criteria: ACMG Guidelines, 2015. Collection method: clinical testing. Allele origin: germline. Study: Canadian Open Genetics Repository.

PreventionGenetics, part of Exact Sciences
Classification: Likely benign for TTN-related condition. Last evaluated: 2024-02-26. Review status: no assertion criteria provided. Collection method: clinical testing. Allele origin: germline. Not counted in ClinVar's aggregate classification.
Comment: This variant is classified as likely benign based on ACMG/AMP sequence variant interpretation guidelines (Richards et al. 2015 PMID: 25741868, with internal and published modifications).

NM_001267550.2(TTN):c.88611T>G (p.Pro29537=)

Genes: TTN (titin; minus strand), TTN-AS1 (TTN antisense RNA 1; plus strand). Cytogenetic location: 2q31.2.
Variant type: single nucleotide variant.
Coding change: c.88611T>G on transcript NM_001267550.2 (MANE Select); coding-DNA position 88611, T replaced by G.
Protein change: p.Pro29537=; no amino-acid change (proline 29537 retained).
Molecular consequence: synonymous variant.
Genome position (GRCh38, 1-based): chr2:178,554,736, A>C on the plus strand (T>G on the coding strand, the complement: TTN is on the minus strand). VCF-style: chr2-178554736-A-C. GRCh37 (hg19) VCF-style: chr2-179419463-A-C.
Other names: c.83688T>G, p.Pro27896= (NM_001256850.1); c.61416T>G, p.Pro20472= (NM_003319.4); c.80907T>G, p.Pro26969= (NM_133378.4); c.61791T>G, p.Pro20597= (NM_133432.3); c.61992T>G, p.Pro20664= (NM_133437.4).
Identifiers: ClinVar variation 413106 (VCV000413106.22), dbSNP rs555380931, ClinGen allele CA1988116.